The following is an entry in ClinVar:

NM_032578.4(MYPN):c.2351C>G (p.Pro784Arg)

Gene: MYPN (myopalladin; plus strand). Cytogenetic location: 10q21.3.
Variant type: single nucleotide variant.
Coding change: c.2351C>G on transcript NM_032578.4 (MANE Select); coding-DNA position 2351, C replaced by G.
Protein change: p.Pro784Arg; replaces proline 784 with arginine.
Molecular consequence: missense variant. On other transcripts: non-coding transcript variant (2).
Genome position (GRCh38, 1-based): chr10:68,174,443, C>G. VCF-style: chr10-68174443-C-G. GRCh37 (hg19) VCF-style: chr10-69934200-C-G.
Other names: c.2351C>G, p.Pro784Arg (NM_001256267.2); c.1469C>G, p.Pro490Arg (NM_001256268.2); short protein forms P784R, P490R.
Identifiers: ClinVar variation 1790015 (VCV001790015.6), dbSNP rs750801758, ClinGen allele CA5522775.

ClinVar aggregate classification (germline): Conflicting classifications of pathogenicity. Review status: criteria provided, conflicting classifications (1 of 4 stars). 2 submissions from 2 submitters: Uncertain significance (1); Likely benign (1). Last evaluated 2024-08-06.

Conditions:
Cardiovascular phenotype. Identifiers: MedGen CN230736.
Dilated cardiomyopathy 1KK (CMD1KK). Identifiers: Orphanet 154, Orphanet 75249, MedGen C3714995, MONDO:0014100, OMIM 615248.

Allele frequency attached by ClinVar (database versions not stated): gnomAD exomes below 0.00001; TOPMed below 0.00001; ExAC 0.00001.

Submissions (2):

Ambry Genetics
Classification: Likely benign for Cardiovascular phenotype. Last evaluated: 2024-08-06. Review status: criteria provided, single submitter. Criteria: Ambry Variant Classification Scheme 2023. Collection method: clinical testing. Allele origin: germline.

Labcorp Genetics (formerly Invitae), Labcorp
Classification: Uncertain significance for Dilated cardiomyopathy 1KK. Last evaluated: 2023-06-13. Review status: criteria provided, single submitter. Criteria: Invitae Variant Classification Sherloc (09022015). Collection method: clinical testing. Allele origin: germline.
Comment: This variant is present in population databases (rs750801758, gnomAD 0.007%). In summary, the available evidence is currently insufficient to determine the role of this variant in disease. Therefore, it has been classified as a Variant of Uncertain Significance. An algorithm developed to predict the effect of missense changes on protein structure and function (PolyPhen-2) suggests that this variant¬†is likely to be tolerated. ClinVar contains an entry for this variant (Variation ID: 1790015). This variant has not been reported in the literature in individuals affected with MYPN-related conditions. This sequence change replaces proline, which is neutral and non-polar, with arginine, which is basic and polar, at codon 784 of the MYPN protein (p.Pro784Arg).